The following is an entry in ClinVar:

ClinVar aggregate classification (germline): Likely benign. Review status: criteria provided, single submitter (1 of 4 stars). 2 submissions from 2 submitters: Likely benign (1). 1 of the submissions does not count toward it. Last evaluated 2023-02-01.

Conditions:
TRAF7-related disorder. Also called: TRAF7-related condition.

Allele frequency attached by ClinVar (database versions not stated): gnomAD 0.00001; gnomAD exomes 0.00003; TOPMed 0.00003; ExAC 0.00005; ESP Exome Variant Server 0.00008.
gnomAD v4.1: 40 of 1,613,198 alleles (0.0025%); highest among the groups gnomAD compares: Non-Finnish European, 0.0032%; no homozygotes.

Submissions (2):

CeGaT Center for Human Genetics Tuebingen
Classification: Likely benign. Last evaluated: 2023-02-01. Review status: criteria provided, single submitter. Criteria: CeGaT Center For Human Genetics Tuebingen Variant Classification Criteria Version 2. Collection method: clinical testing. Allele origin: germline. Affected: yes. Observed: 1 variant allele.
Comment: TRAF7: BP4, BP7

PreventionGenetics, part of Exact Sciences
Classification: Likely benign for TRAF7-related condition. Last evaluated: 2020-01-13. Review status: no assertion criteria provided. Collection method: clinical testing. Allele origin: germline. Not counted in ClinVar's aggregate classification.
Comment: This variant is classified as likely benign based on ACMG/AMP sequence variant interpretation guidelines (Richards et al. 2015 PMID: 25741868, with internal and published modifications).

NM_032271.3(TRAF7):c.465C>T (p.Ala155=)

Gene: TRAF7 (TNF receptor associated factor 7; plus strand). Cytogenetic location: 16p13.3.
Variant type: single nucleotide variant.
Coding change: c.465C>T on transcript NM_032271.3 (MANE Select); coding-DNA position 465, C replaced by T.
Protein change: p.Ala155=; no amino-acid change (alanine 155 retained).
Molecular consequence: synonymous variant.
Genome position (GRCh38, 1-based): chr16:2,171,595, C>T. VCF-style: chr16-2171595-C-T. GRCh37 (hg19) VCF-style: chr16-2221596-C-T.
Other names: c.465C>T (NM_032271.2).
Identifiers: ClinVar variation 2646042 (VCV002646042.25), dbSNP rs143997074, ClinGen allele CA7834596.